The following is an entry in ClinVar:

NM_001378120.1(MBD5):c.117dup (p.Ser40fs)

Gene: MBD5 (methyl-CpG binding domain protein 5; plus strand). Cytogenetic location: 2q23.1.
Variant type: Duplication.
Coding change: c.117dup on transcript NM_001378120.1 (MANE Select); coding-DNA position 117, one base duplicated (C; older notation c.117dupC).
Protein change: p.Ser40fs; shifts the reading frame from serine 40.
Molecular consequence: frameshift variant.
Genome position (GRCh38, 1-based): chr2:148,462,585, C duplicated; the last of 3 consecutive C bases (chr2:148,462,583-148,462,585); duplicating any one gives the same sequence. VCF-style (leftmost placement, unchanged base first): chr2-148462582-T-TC. GRCh37 (hg19) VCF-style: chr2-149220151-T-TC.
Other names: c.117dup, p.Ser40fs (NM_001438854.1, NM_001438855.1, NM_001438856.1 and 7 more transcripts); short protein forms S40fs.
Identifiers: ClinVar variation 4715740 (VCV004715740.1).

ClinVar aggregate classification (germline): Pathogenic (1 of 4 stars; one submission).

Conditions:
Intellectual developmental disorder, autosomal dominant 1. Also called: MBD5 Haploinsufficiency; Intellectual disability, autosomal dominant 1. Identifiers: Orphanet 228402, MedGen C1969562, MONDO:0007974, OMIM 156200.

Submission:

Labcorp Genetics (formerly Invitae), Labcorp
Classification: Pathogenic for Intellectual developmental disorder, autosomal dominant 1. Last evaluated: 2025-03-30. Review status: criteria provided, single submitter. Criteria: Invitae Variant Classification Sherloc (09022015). Collection method: clinical testing. Allele origin: germline.
Comment: This sequence change creates a premature translational stop signal (p.Ser40Glnfs*12) in the MBD5 gene. It is expected to result in an absent or disrupted protein product. Loss-of-function variants in MBD5 are known to be pathogenic (PMID: 23422940, 23587880). This variant is not present in population databases (gnomAD no frequency). This variant has not been reported in the literature in individuals affected with MBD5-related conditions. For these reasons, this variant has been classified as Pathogenic.

Literature cited by the submitters: PubMed 23422940; PubMed 23587880.